The following is an entry in ClinVar:

ClinVar aggregate classification (germline): Uncertain significance (1 of 4 stars; one submission).

Conditions:
KRT14-related disorder. Also called: KRT14-related condition.

Allele frequency attached by ClinVar (database versions not stated): gnomAD exomes below 0.00001.

Submission:

PreventionGenetics, part of Exact Sciences
Classification: Uncertain significance for KRT14-related condition. Last evaluated: 2023-05-10. Review status: criteria provided, single submitter. Criteria: ACMG Guidelines, 2015. Collection method: clinical testing. Allele origin: germline.
Comment: The KRT14 c.182G>A variant is predicted to result in the amino acid substitution p.Gly61Glu. To our knowledge, this variant has not been reported in the literature or in a large population database, indicating this variant is rare. At this time, the clinical significance of this variant is uncertain due to the absence of conclusive functional and genetic evidence.

NM_000526.5(KRT14):c.182G>A (p.Gly61Glu)

Gene: KRT14 (keratin 14; minus strand). Cytogenetic location: 17q21.2.
Variant type: single nucleotide variant.
Coding change: c.182G>A on transcript NM_000526.5 (MANE Select); coding-DNA position 182, G replaced by A.
Protein change: p.Gly61Glu; replaces glycine 61 with glutamic acid.
Molecular consequence: missense variant.
Genome position (GRCh38, 1-based): chr17:41,586,653, C>T on the plus strand (G>A on the coding strand, the complement: KRT14 is on the minus strand). VCF-style: chr17-41586653-C-T. GRCh37 (hg19) VCF-style: chr17-39742905-C-T.
Other names: short protein forms G61E.
Identifiers: ClinVar variation 2633099 (VCV002633099.1), dbSNP rs1907543032, ClinGen allele CA399483134.